The following is an entry in ClinVar:

ClinVar aggregate classification (germline): Conflicting classifications of pathogenicity. Review status: criteria provided, conflicting classifications (1 of 4 stars). 3 submissions from 3 submitters: Uncertain significance (2); Likely benign (1). Last evaluated 2026-03-23.

Conditions:
Hereditary cancer-predisposing syndrome. Also called: Neoplastic Syndromes, Hereditary; Tumor predisposition; Hereditary Cancer Syndrome; Hereditary neoplastic syndrome. Identifiers: Orphanet 140162, MedGen C0027672, MeSH D009386, MONDO:0015356.
Lynch syndrome. Identifiers: Orphanet 144, MedGen C4552100, MONDO:0005835. Disease mechanism: loss of function.
Hereditary nonpolyposis colorectal neoplasms. Identifiers: MedGen C0009405, MeSH D003123.

gnomAD v4.1: 3 of 1,570,164 alleles (0.00019%); highest among the groups gnomAD compares: Non-Finnish European, 0.00017%; no homozygotes.

Submissions (3):

Ambry Genetics
Classification: Uncertain significance for Hereditary cancer-predisposing syndrome. Last evaluated: 2026-03-23. Review status: criteria provided, single submitter. Criteria: Ambry Variant Classification Scheme 2023. Collection method: clinical testing. Allele origin: germline.
Comment: The p.K1009E variant (also known as c.3025A>G), located in coding exon 4 of the MSH6 gene, results from an A to G substitution at nucleotide position 3025. The lysine at codon 1009 is replaced by glutamic acid, an amino acid with similar properties. This amino acid position is conserved. In addition, the in silico prediction for this alteration is inconclusive. Based on the available evidence, the clinical significance of this variant remains unclear.

Labcorp Genetics (formerly Invitae), Labcorp
Classification: Likely benign for Hereditary nonpolyposis colorectal neoplasms. Last evaluated: 2025-12-28. Review status: criteria provided, single submitter. Criteria: Invitae Variant Classification Sherloc (09022015). Collection method: clinical testing. Allele origin: germline.

All of Us Research Program, National Institutes of Health
Classification: Uncertain significance for Lynch syndrome. Last evaluated: 2024-07-29. Review status: criteria provided, single submitter. Criteria: ACMG Guidelines, 2015. Collection method: clinical testing. Allele origin: germline. Inheritance: Autosomal dominant inheritance. Observed: 1 variant allele, 1 heterozygote.
Comment: This missense variant replaces lysine with glutamic acid at codon 1009 of the MSH6 protein. Computational prediction suggests that this variant may not impact protein structure and function (internally defined REVEL score threshold <= 0.5, PMID: 27666373). To our knowledge, functional studies have not been reported for this variant. This variant has not been reported in individuals affected with MSH6-related disorders in the literature. This variant has been identified in 1/215558 chromosomes in the general population by the Genome Aggregation Database (gnomAD). The available evidence is insufficient to determine the role of this variant in disease conclusively. Therefore, this variant is classified as a Variant of Uncertain Significance.

This study involves interpretation of variants in research participants for the purpose of population health screening. Participant phenotype was not available at the time of variant classification. Additional details can be found in publication PMID: 35346344, PMCID: PMC8962531

NM_000179.3(MSH6):c.3025A>G (p.Lys1009Glu)

Gene: MSH6 (mutS homolog 6; plus strand). Cytogenetic location: 2p16.3.
Variant type: single nucleotide variant.
Coding change: c.3025A>G on transcript NM_000179.3 (MANE Select); coding-DNA position 3025, A replaced by G.
Protein change: p.Lys1009Glu; replaces lysine 1009 with glutamic acid.
Molecular consequence: missense variant. On other transcripts: non-coding transcript variant (5), intron variant (2).
Genome position (GRCh38, 1-based): chr2:47,801,008, A>G. VCF-style: chr2-47801008-A-G. GRCh37 (hg19) VCF-style: chr2-48028147-A-G.
Other names: c.3025A>G, p.Lys1009Glu (NM_001406800.1, NM_001406808.1, NM_001406809.1 and 2 more transcripts); c.2728A>G, p.Lys910Glu (NM_001406801.1, NM_001406805.1, NM_001406822.1 and 10 more transcripts); c.3121A>G, p.Lys1041Glu (NM_001406802.1, NM_001406795.1); c.2947A>G, p.Lys983Glu (NM_001406804.1); c.2500A>G, p.Lys834Glu (NM_001406806.1, NM_001406807.1, NM_001406799.1); c.2119A>G, p.Lys707Glu (NM_001406811.1, NM_001406823.1, NM_001406829.1 and 6 more transcripts); c.2857A>G, p.Lys953Glu (NM_001406826.1); c.970A>G, p.Lys324Glu (NM_001407362.1); and 4 more; short protein forms K1009E, K1011E, K1041E, K324E, K707E, K834E, K879E, K910E.
Identifiers: ClinVar variation 3387069 (VCV003387069.4).